The following is an entry in ClinVar:

NM_005932.4(MIPEP):c.671A>G (p.Asn224Ser)

Gene: MIPEP (mitochondrial intermediate peptidase; minus strand). Cytogenetic location: 13q12.12.
Variant type: single nucleotide variant.
Coding change: c.671A>G on transcript NM_005932.4 (MANE Select); coding-DNA position 671, A replaced by G.
Protein change: p.Asn224Ser; replaces asparagine 224 with serine.
Molecular consequence: missense variant.
Genome position (GRCh38, 1-based): chr13:23,870,128, T>C on the plus strand (A>G on the coding strand, the complement: MIPEP is on the minus strand). VCF-style: chr13-23870128-T-C. GRCh37 (hg19) VCF-style: chr13-24444267-T-C.
Other names: short protein forms N224S.
Identifiers: ClinVar variation 787940 (VCV000787940.35), dbSNP rs74724219, ClinGen allele CA6913230.
Genomic context (GRCh38, chr13:23,870,128, plus strand): 5'-GATGTAAAGTTACGACGAATGTGTTCTGGTAAGAGATGCTTCTCAATCTTGTTGGGAAAA[T>C]TGGTTCCCATAAGAAATGTACTACTCAAATCCAAGATTTTAACATTGAGGTCCACTGCTC-3'
Protein context (NP_005923.3, residues 214-234): DLSSTFLMGT[Asn224Ser]FPNKIEKHLL

ClinVar aggregate classification (germline): Benign/Likely benign. Review status: criteria provided, multiple submitters, no conflicts (2 of 4 stars). 4 submissions from 4 submitters: Benign (3); Likely benign (1). Last evaluated 2025-12-23.

Allele frequency attached by ClinVar (database versions not stated): gnomAD exomes 0.00053 and 0.00119; ExAC 0.00136; gnomAD 0.00440 and 0.00463; ESP Exome Variant Server 0.00484; TOPMed 0.00512; 1000 Genomes Project 30x 0.00578; 1000 Genomes Project 0.00579.

Submissions (4):

Labcorp Genetics (formerly Invitae), Labcorp
Classification: Benign. Last evaluated: 2025-12-23. Review status: criteria provided, single submitter. Criteria: Invitae Variant Classification Sherloc (09022015). Collection method: clinical testing. Allele origin: germline.

Blueprint Genetics
Classification: Likely benign. Last evaluated: 2024-09-30. Review status: criteria provided, single submitter. Criteria: ACMG Guidelines, 2015. Collection method: clinical testing. Allele origin: germline.

CeGaT Center for Human Genetics Tuebingen
Classification: Benign. Last evaluated: 2023-09-01. Review status: criteria provided, single submitter. Criteria: CeGaT Center For Human Genetics Tuebingen Variant Classification Criteria Version 2. Collection method: clinical testing. Allele origin: germline. Affected: yes. Observed: 1 variant allele.
Comment: MIPEP: BP4, BS1, BS2

Breakthrough Genomics
Classification: Benign. Review status: criteria provided, single submitter. Criteria: ACMG Guidelines, 2015. Collection method: not provided. Allele origin: germline. Inheritance: Autosomal recessive inheritance. Affected: yes.